The following is an entry in ClinVar:

NM_018026.4(PACS1):c.2674A>T (p.Ser892Cys)

Gene: PACS1 (phosphofurin acidic cluster sorting protein 1; plus strand). Cytogenetic location: 11q13.2.
Variant type: single nucleotide variant.
Coding change: c.2674A>T on transcript NM_018026.4 (MANE Select); coding-DNA position 2674, A replaced by T.
Protein change: p.Ser892Cys; replaces serine 892 with cysteine.
Molecular consequence: missense variant.
Genome position (GRCh38, 1-based): chr11:66,242,929, A>T. VCF-style: chr11-66242929-A-T. GRCh37 (hg19) VCF-style: chr11-66010400-A-T.
Other names: short protein forms S892C.
Identifiers: ClinVar variation 2696471 (VCV002696471.3), dbSNP rs2495611318, ClinGen allele CA381383877.

ClinVar aggregate classification (germline): Uncertain significance (1 of 4 stars; one submission).

Conditions:
Schuurs-Hoeijmakers syndrome. Also called: PACS1-Related Neurodevelopmental Disorder. Identifiers: Orphanet 329224, MedGen C3554343, MONDO:0014006, OMIM 615009.

Submission:

Labcorp Genetics (formerly Invitae), Labcorp
Classification: Uncertain significance for Schuurs-Hoeijmakers syndrome. Last evaluated: 2023-11-17. Review status: criteria provided, single submitter. Criteria: Invitae Variant Classification Sherloc (09022015). Collection method: clinical testing. Allele origin: germline.
Comment: This sequence change replaces serine, which is neutral and polar, with cysteine, which is neutral and slightly polar, at codon 892 of the PACS1 protein (p.Ser892Cys). This variant is not present in population databases (gnomAD no frequency). This variant has not been reported in the literature in individuals affected with PACS1-related conditions. Advanced modeling of protein sequence and biophysical properties (such as structural, functional, and spatial information, amino acid conservation, physicochemical variation, residue mobility, and thermodynamic stability) performed at Invitae indicates that this missense variant is not expected to disrupt PACS1 protein function with a negative predictive value of 80%. In summary, the available evidence is currently insufficient to determine the role of this variant in disease. Therefore, it has been classified as a Variant of Uncertain Significance.